The following is an entry in ClinVar:

ClinVar aggregate classification (germline): Likely benign. Review status: criteria provided, multiple submitters, no conflicts (2 of 4 stars). 4 submissions from 4 submitters: Likely benign (2). 2 of the submissions do not count toward it. Last evaluated 2026-01-17.

Conditions:
SLC37A4-related disorder. Also called: SLC37A4-related condition.
Glucose-6-phosphate transport defect (GSD1B). Also called: Glycogen Storage Disease Type Ib; GSD Ib. Identifiers: Orphanet 364, Orphanet 79259, MedGen C0268146, MONDO:0009288, OMIM 232220.

Allele frequency attached by ClinVar (database versions not stated): gnomAD exomes 0.00007 and 0.00020; ExAC 0.00028; 1000 Genomes Project 0.00060; TOPMed 0.00065; gnomAD 0.00069 and 0.00073; 1000 Genomes Project 30x 0.00094; ESP Exome Variant Server 0.00132.

Submissions (4):

Labcorp Genetics (formerly Invitae), Labcorp
Classification: Likely benign for Glucose-6-phosphate transport defect. Last evaluated: 2026-01-17. Review status: criteria provided, single submitter. Criteria: Invitae Variant Classification Sherloc (09022015). Collection method: clinical testing. Allele origin: germline.

CeGaT Center for Human Genetics Tuebingen
Classification: Likely benign. Last evaluated: 2025-07-01. Review status: criteria provided, single submitter. Criteria: CeGaT Center For Human Genetics Tuebingen Variant Classification Criteria Version 2. Collection method: clinical testing. Allele origin: germline. Affected: yes. Observed: 1 variant allele.
Comment: SLC37A4: BP4

PreventionGenetics, part of Exact Sciences
Classification: Likely benign for SLC37A4-related condition. Last evaluated: 2023-10-05. Review status: no assertion criteria provided. Collection method: clinical testing. Allele origin: germline. Not counted in ClinVar's aggregate classification.
Comment: This variant is classified as likely benign based on ACMG/AMP sequence variant interpretation guidelines (Richards et al. 2015 PMID: 25741868, with internal and published modifications).

Natera, Inc.
Classification: Likely benign for Glycogen storage disease type Ib. Last evaluated: 2020-09-16. Review status: no assertion criteria provided. Collection method: clinical testing. Allele origin: germline. Not counted in ClinVar's aggregate classification.

NM_001164277.2(SLC37A4):c.628T>C (p.Ser210Pro)

Gene: SLC37A4 (solute carrier family 37 member 4; minus strand). Cytogenetic location: 11q23.3.
Variant type: single nucleotide variant.
Coding change: c.628T>C on transcript NM_001164277.2 (MANE Select); coding-DNA position 628, T replaced by C.
Protein change: p.Ser210Pro; replaces serine 210 with proline.
Molecular consequence: missense variant.
Genome position (GRCh38, 1-based): chr11:119,027,093, A>G on the plus strand (T>C on the coding strand, the complement: SLC37A4 is on the minus strand). VCF-style: chr11-119027093-A-G. GRCh37 (hg19) VCF-style: chr11-118897803-A-G.
Other names: c.628T>C, p.Ser210Pro (NM_001164278.2, NM_001164280.2, NM_001467.6); c.409T>C, p.Ser137Pro (NM_001164279.2); short protein forms S137P, S210P.
Identifiers: ClinVar variation 726795 (VCV000726795.21), dbSNP rs201101662, ClinGen allele CA6311767.